The following is an entry in ClinVar:

NM_005477.3(HCN4):c.943C>T (p.Arg315Cys)

Genes: HCN4 (hyperpolarization activated cyclic nucleotide gated potassium channel 4; minus strand), LOC126862173 (CDK7 strongly-dependent group 2 enhancer GRCh37_chr15:73635762-73636961; plus strand), LOC105370890 (uncharacterized LOC105370890; plus strand). Cytogenetic location: 15q24.1.
Variant type: single nucleotide variant.
Coding change: c.943C>T on transcript NM_005477.3 (MANE Select); coding-DNA position 943, C replaced by T.
Protein change: p.Arg315Cys; replaces arginine 315 with cysteine.
Molecular consequence: missense variant.
Genome position (GRCh38, 1-based): chr15:73,343,651, G>A on the plus strand (C>T on the coding strand, the complement: HCN4 is on the minus strand). VCF-style: chr15-73343651-G-A. GRCh37 (hg19) VCF-style: chr15-73635992-G-A.
Other names: short protein forms R315C.
Identifiers: ClinVar variation 1469260 (VCV001469260.8), dbSNP rs1340301658, ClinGen allele CA393095196.

ClinVar aggregate classification (germline): Uncertain significance. Review status: criteria provided, multiple submitters, no conflicts (2 of 4 stars). 3 submissions from 3 submitters: Uncertain significance (3). Last evaluated 2025-03-26.

Conditions:
Sick sinus syndrome 2, autosomal dominant (SSS2). Also called: SINUS BRADYCARDIA SYNDROME, FAMILIAL, AUTOSOMAL DOMINANT; SINUS NODE DISEASE, FAMILIAL, AUTOSOMAL DOMINANT; ATRIAL FIBRILLATION WITH BRADYARRHYTHMIA; SICK SINUS SYNDROME 2; SICK SINUS SYNDROME 2 WITH OR WITHOUT CARDIAC NONCOMPACTION AND/OR ASCENDING AORTA DILATION. Identifiers: Orphanet 166282, MedGen C1834144, MONDO:0008102, OMIM 163800.
Brugada syndrome 8 (BRGDA8). Identifiers: Orphanet 130, MedGen C2751083, MONDO:0013148, OMIM 613123.

Allele frequency attached by ClinVar (database versions not stated): gnomAD exomes below 0.00001 and 0.00001; TOPMed below 0.00001.
gnomAD v4.1: 2 of 1,614,164 alleles (0.00012%); highest among the groups gnomAD compares: East Asian, 0.0022%; no homozygotes.

Submissions (3):

Labcorp Genetics (formerly Invitae), Labcorp
Classification: Uncertain significance for Brugada syndrome 8. Last evaluated: 2025-03-26. Review status: criteria provided, single submitter. Criteria: Invitae Variant Classification Sherloc (09022015). Collection method: clinical testing. Allele origin: germline.
Comment: This sequence change replaces arginine, which is basic and polar, with cysteine, which is neutral and slightly polar, at codon 315 of the HCN4 protein (p.Arg315Cys). This variant is present in population databases (no rsID available, gnomAD 0.004%). This variant has not been reported in the literature in individuals affected with HCN4-related conditions. ClinVar contains an entry for this variant (Variation ID: 1469260). Invitae Evidence Modeling of protein sequence and biophysical properties (such as structural, functional, and spatial information, amino acid conservation, physicochemical variation, residue mobility, and thermodynamic stability) indicates that this missense variant is expected to disrupt HCN4 protein function with a positive predictive value of 95%. In summary, the available evidence is currently insufficient to determine the role of this variant in disease. Therefore, it has been classified as a Variant of Uncertain Significance.

New York Genome Center
Classification: Uncertain significance for Sick sinus syndrome 2, autosomal dominant. Last evaluated: 2023-05-30. Review status: criteria provided, single submitter. Criteria: NYGC Assertion Criteria 2020. Collection method: clinical testing. Allele origin: inherited. Affected: yes. Observed: 1 variant allele, 1 heterozygote.
Comment: The heterozygous c.943C>T p.(Arg315Cys) missense variant identified in HCN4 has not previously been reported in the literature and has been deposited in ClinVar once as a Variant of Uncertain significance (ClinVar ID: 1469260). The c.943C>T variant has an allele frequency of 0.0000058 (3heterozygotes, 0 homozygotes) in population databases (gnomAD v2.1.1 and v3.1.2, TOPMed Freeze 8), suggesting it is not a common benign variant in the populations represented in those databases. The c.943C>T variant is located in exon 2 of this 8-exon gene and is predicted to replace a highly conserved arginine residue with cysteine at position 315 in one of the six transmembrane segments (S2) of the encoded protein [PMID:34166608]. In silico predictions are in favour of the variants damaging effect [REVEL = 0.926]; however, functional studies to support or refute these predictions have not been reported. Due to the lack of compellingevidence for its pathogenicity, the heterozygous c.943C>T p.(Arg315Cys) missense variant identified in the HCN4 gene is reported as a Variant of Uncertain Significance.

Blueprint Genetics
Classification: Uncertain significance. Last evaluated: 2019-05-06. Review status: criteria provided, single submitter. Criteria: ACMG Guidelines, 2015. Collection method: clinical testing. Allele origin: germline.